The following is an entry in ClinVar:

ClinVar aggregate classification (germline): Uncertain significance (1 of 4 stars; one submission).

Submission:

Women's Health and Genetics/Laboratory Corporation of America, LabCorp
Classification: Uncertain significance. Last evaluated: 2022-08-09. Review status: criteria provided, single submitter. Criteria: LabCorp Variant Classification Summary - May 2015. Collection method: clinical testing. Allele origin: germline.
Comment: Variant summary: CAPN3 c.535G>A (p.Asp179Asn) results in a conservative amino acid change located in the Peptidase C2, calpain, catalytic domain (IPR001300) of the encoded protein sequence. Four of five in-silico tools predict a damaging effect of the variant on protein function. The variant was absent in 251452 control chromosomes. The available data on variant occurrences in the general population are insufficient to allow any conclusion about variant significance. To our knowledge, no occurrence of c.535G>A in individuals affected with Limb-Girdle Muscular Dystrophy, Autosomal Recessive and no experimental evidence demonstrating its impact on protein function have been reported. No clinical diagnostic laboratories have submitted clinical-significance assessments for this variant to ClinVar after 2014. Based on the evidence outlined above, the variant was classified as uncertain significance.

NM_000070.3(CAPN3):c.535G>A (p.Asp179Asn)

Gene: CAPN3 (calpain 3; plus strand). Cytogenetic location: 15q15.1.
Variant type: single nucleotide variant.
Coding change: c.535G>A on transcript NM_000070.3 (MANE Select); coding-DNA position 535, G replaced by A.
Protein change: p.Asp179Asn; replaces aspartic acid 179 with asparagine.
Molecular consequence: missense variant.
Genome position (GRCh38, 1-based): chr15:42,387,789, G>A. VCF-style: chr15-42387789-G-A. GRCh37 (hg19) VCF-style: chr15-42679987-G-A.
Other names: c.535G>A, p.Asp179Asn (NM_024344.2, NM_173087.2); c.274G>A, p.Asp92Asn (NM_212464.2); c.*228G>A (NM_212467.2); short protein forms D179N, D92N.
Identifiers: ClinVar variation 1705058 (VCV001705058.1), dbSNP rs2548257946, ClinGen allele CA391997818.